The following is an entry in ClinVar:

NM_001081.4(CUBN):c.5429G>A (p.Arg1810Gln)

Gene: CUBN (cubilin; minus strand). Cytogenetic location: 10p13.
Variant type: single nucleotide variant.
Coding change: c.5429G>A on transcript NM_001081.4 (MANE Select); coding-DNA position 5429, G replaced by A.
Protein change: p.Arg1810Gln; replaces arginine 1810 with glutamine.
Molecular consequence: missense variant.
Genome position (GRCh38, 1-based): chr10:16,940,151, C>T on the plus strand (G>A on the coding strand, the complement: CUBN is on the minus strand). VCF-style: chr10-16940151-C-T. GRCh37 (hg19) VCF-style: chr10-16982150-C-T.
Other names: short protein forms R1810Q.
Identifiers: ClinVar variation 299460 (VCV000299460.10), dbSNP rs149622438, ClinGen allele CA5424003.
Genomic context (GRCh38, chr10:16,940,151, plus strand): 5'-ACCCACAGGGTATGTCCAACGATGGAAGAATAATTGAGAGGGAAGGAGTTTCCACAGTAT[C>T]GTCCCACCAAGTGACCCGTGGCATTTCCTTCACGGATCTCCACAAAATCTCTGCTGCAGT-3'
Protein context (NP_001072.2, residues 1800-1820): EGNATGHLVG[Arg1810Gln]YCGNSFPLNY

ClinVar aggregate classification (germline): Uncertain significance. Review status: criteria provided, multiple submitters, no conflicts (2 of 4 stars). 3 submissions from 3 submitters: Uncertain significance (3). Last evaluated 2024-02-21.

Conditions:
Imerslund-Grasbeck syndrome type 1 (IGS1). Also called: Megaloblastic anemia 1, Finnish type; MEGALOBLASTIC ANEMIA, 1; Imerslund-Gräsbeck syndrome 1. Identifiers: MedGen C4016819, MONDO:0100156, OMIM 261100.
Imerslund-Grasbeck syndrome. Also called: Megaloblastic anemia due to inborn errors of metabolism; Imerslund-Gräsbeck syndrome; ENTEROCYTE COBALAMIN MALABSORPTION; ENTEROCYTE INTRINSIC FACTOR RECEPTOR, DEFECT OF; PERNICIOUS ANEMIA, JUVENILE, DUE TO SELECTIVE INTESTINAL MALABSORPTION OF VITAMIN B12, WITH PROTEINURIA. Identifiers: Orphanet 35858, MedGen C4551825, MONDO:0009853.
Proteinuria, chronic benign. Identifiers: MedGen C5394384, MONDO:0030042, OMIM 618884.

Allele frequency attached by ClinVar (database versions not stated): ExAC 0.00021; TOPMed 0.00023; ESP Exome Variant Server 0.00031; gnomAD 0.00032 and 0.00033; gnomAD exomes 0.00037.
gnomAD v4.1: 582 of 1,613,920 alleles (0.036%); highest among the groups gnomAD compares: Non-Finnish European, 0.044%; no homozygotes.

Submissions (3):

Fulgent Genetics
Classification: Uncertain significance for Imerslund-Grasbeck syndrome type 1; Proteinuria, chronic benign. Last evaluated: 2024-02-21. Review status: criteria provided, single submitter. Criteria: ACMG Guidelines, 2015. Collection method: clinical testing. Allele origin: germline.

Labcorp Genetics (formerly Invitae), Labcorp
Classification: Uncertain significance for Imerslund-Grasbeck syndrome. Last evaluated: 2022-06-27. Review status: criteria provided, single submitter. Criteria: Invitae Variant Classification Sherloc (09022015). Collection method: clinical testing. Allele origin: germline.
Comment: This sequence change replaces arginine, which is basic and polar, with glutamine, which is neutral and polar, at codon 1810 of the CUBN protein (p.Arg1810Gln). This variant is present in population databases (rs149622438, gnomAD 0.05%). This variant has not been reported in the literature in individuals affected with CUBN-related conditions. ClinVar contains an entry for this variant (Variation ID: 299460). Algorithms developed to predict the effect of missense changes on protein structure and function are either unavailable or do not agree on the potential impact of this missense change (SIFT: "Tolerated"; PolyPhen-2: "Possibly Damaging"; Align-GVGD: "Class C0"). In summary, the available evidence is currently insufficient to determine the role of this variant in disease. Therefore, it has been classified as a Variant of Uncertain Significance.

Illumina Laboratory Services, Illumina
Classification: Uncertain significance for Imerslund-Grasbeck syndrome type 1. Last evaluated: 2018-01-13. Review status: criteria provided, single submitter. Criteria: ICSL Variant Classification Criteria 13 December 2019. Collection method: clinical testing. Allele origin: germline.